The following is an entry in ClinVar:

ClinVar aggregate classification (germline): Uncertain significance (0 of 4 stars; one submission).

Conditions:
Prostate cancer. Also called: Malignant tumor of prostate. Identifiers: Orphanet 1331, MedGen C0376358, MONDO:0008315, HP:0012125.

Submission:

Science for Life laboratory,  Karolinska Institutet
Classification: Uncertain significance for Malignant tumor of prostate. Review status: no assertion criteria provided. Collection method: not provided. Allele origin: somatic.
Comment: TumorID:SWE-4
ClinVar note: Converted during submission from Unknown to Uncertain significance.

NM_001130021.3(ATP6V0A1):c.1023+1G>T

Gene: ATP6V0A1 (ATPase H+ transporting V0 subunit a1; plus strand). Cytogenetic location: 17q21.2.
Variant type: single nucleotide variant.
Coding change: c.1023+1G>T on transcript NM_001130021.3 (MANE Select); the canonical splice donor site of the intron after coding-DNA position 1023, G replaced by T.
Molecular consequence: splice donor variant. On other transcripts: intron variant (2).
Genome position (GRCh38, 1-based): chr17:42,487,368, G>T. VCF-style: chr17-42487368-G-T. GRCh37 (hg19) VCF-style: chr17-40639386-G-T.
Other names: c.1167+1G>T (NM_001378532.1, NM_001378531.1); c.1044+1G>T (NM_001378534.1, NM_001378522.1, NM_001378539.1 and 3 more transcripts); c.1146+1G>T (NM_001378530.1, NM_001378533.1, NM_001378551.1 and 1 more transcripts); c.1023+1G>T (NM_001378535.1, NM_001378542.1, NM_005177.5 and 4 more transcripts); c.811-3119G>T (NM_001378546.1, NM_001378547.1); c.813+1G>T (NM_001378545.1, NM_001378554.1); c.915+1G>T (NM_001378536.1, NM_001378550.1, NM_001378556.1); c.894+1G>T (NM_001378538.1, NM_001378540.1); and 2 more.
Identifiers: ClinVar variation 161630 (VCV000161630.2), dbSNP rs193920983, ClinGen allele CA174493.